The following is an entry in ClinVar:

ClinVar aggregate classification (germline): Pathogenic (1 of 4 stars; one submission).

Conditions:
Neuronal ceroid lipofuscinosis. Also called: Neuronal Ceroid Lipofuscinoses. Identifiers: Orphanet 216, Orphanet 79263, MedGen C0027877, MONDO:0016295. Disease mechanism: loss of function.

Allele frequency attached by ClinVar (database versions not stated): gnomAD exomes below 0.00001.
gnomAD v4.1: 1 of 1,614,206 alleles (0.000062%); highest among the groups gnomAD compares: Non-Finnish European, 0.000085%; no homozygotes.

Submission:

Labcorp Genetics (formerly Invitae), Labcorp
Classification: Pathogenic for Neuronal ceroid lipofuscinosis. Last evaluated: 2021-04-24. Review status: criteria provided, single submitter. Criteria: Invitae Variant Classification Sherloc (09022015). Collection method: clinical testing. Allele origin: germline.
Comment: This sequence change creates a premature translational stop signal (p.Trp275*) in the CLN3 gene. It is expected to result in an absent or disrupted protein product. Loss-of-function variants in CLN3 are known to be pathogenic (PMID: 9311735, 28542676). Algorithms developed to predict the effect of sequence changes on RNA splicing suggest that this variant may create or strengthen a splice site, but this prediction has not been confirmed by published transcriptional studies. This variant is not present in population databases (ExAC no frequency). This variant has not been reported in the literature in individuals with CLN3-related conditions. For these reasons, this variant has been classified as Pathogenic.

Literature cited by the submitters: PubMed 9311735; PubMed 28542676.

NM_001042432.2(CLN3):c.825G>A (p.Trp275Ter)

Gene: CLN3 (CLN3 lysosomal/endosomal transmembrane protein, battenin; minus strand). Cytogenetic location: 16p12.1.
Variant type: single nucleotide variant.
Coding change: c.825G>A on transcript NM_001042432.2 (MANE Select); coding-DNA position 825, G replaced by A.
Protein change: p.Trp275Ter; replaces tryptophan 275 with a stop codon.
Molecular consequence: nonsense.
Genome position (GRCh38, 1-based): chr16:28,482,638, C>T on the plus strand (G>A on the coding strand, the complement: CLN3 is on the minus strand). VCF-style: chr16-28482638-C-T. GRCh37 (hg19) VCF-style: chr16-28493959-C-T.
Other names: c.825G>A, p.Trp275Ter (NM_000086.2); c.753G>A, p.Trp251Ter (NM_001286104.2); c.525G>A, p.Trp175Ter (NM_001286105.2); c.591G>A, p.Trp197Ter (NM_001286109.2); c.663G>A, p.Trp221Ter (NM_001286110.2); short protein forms W175*, W197*, W251*, W275*, W221*.
Identifiers: ClinVar variation 1452129 (VCV001452129.6), dbSNP rs2141704162, ClinGen allele CA395344607.